The following is an entry in ClinVar:

NM_006939.4(SOS2):c.1511A>G (p.Asp504Gly)

Gene: SOS2 (SOS Ras/Rho guanine nucleotide exchange factor 2; minus strand). Cytogenetic location: 14q21.3.
Variant type: single nucleotide variant.
Coding change: c.1511A>G on transcript NM_006939.4 (MANE Select); coding-DNA position 1511, A replaced by G.
Protein change: p.Asp504Gly; replaces aspartic acid 504 with glycine.
Molecular consequence: missense variant.
Genome position (GRCh38, 1-based): chr14:50,159,772, T>C on the plus strand (A>G on the coding strand, the complement: SOS2 is on the minus strand). VCF-style: chr14-50159772-T-C. GRCh37 (hg19) VCF-style: chr14-50626490-T-C.
Other names: short protein forms D504G.
Identifiers: ClinVar variation 1331638 (VCV001331638.6), dbSNP rs1884937142, ClinGen allele CA389645604.

ClinVar aggregate classification (germline): Uncertain significance. Review status: criteria provided, multiple submitters, no conflicts (2 of 4 stars). 2 submissions from 2 submitters: Uncertain significance (2). Last evaluated 2024-07-01.

Conditions:
Noonan syndrome 9 (NS9). Identifiers: Orphanet 648, MedGen C4225282, MONDO:0014691, OMIM 616559.

Allele frequency attached by ClinVar (database versions not stated): gnomAD exomes below 0.00001; TOPMed below 0.00001.
gnomAD v4.1: 1 of 1,614,042 alleles (0.000062%); highest among the groups gnomAD compares: Non-Finnish European, 0.000085%; no homozygotes.

Submissions (2):

Labcorp Genetics (formerly Invitae), Labcorp
Classification: Uncertain significance for Noonan syndrome 9. Last evaluated: 2024-07-01. Review status: criteria provided, single submitter. Criteria: Invitae Variant Classification Sherloc (09022015). Collection method: clinical testing. Allele origin: germline.
Comment: This sequence change replaces aspartic acid, which is acidic and polar, with glycine, which is neutral and non-polar, at codon 504 of the SOS2 protein (p.Asp504Gly). This variant is not present in population databases (gnomAD no frequency). This variant has not been reported in the literature in individuals affected with SOS2-related conditions. ClinVar contains an entry for this variant (Variation ID: 1331638). Advanced modeling of protein sequence and biophysical properties (such as structural, functional, and spatial information, amino acid conservation, physicochemical variation, residue mobility, and thermodynamic stability) performed at Invitae indicates that this missense variant is expected to disrupt SOS2 protein function with a positive predictive value of 95%. In summary, the available evidence is currently insufficient to determine the role of this variant in disease. Therefore, it has been classified as a Variant of Uncertain Significance.

Greenwood Genetic Center Diagnostic Laboratories, Greenwood Genetic Center
Classification: Uncertain significance. Last evaluated: 2021-01-04. Review status: criteria provided, single submitter. Criteria: ACMG Guidelines, 2015. Collection method: clinical testing. Allele origin: germline. Affected: yes.
Comment: PM2